The following is an entry in ClinVar:

ClinVar aggregate classification (germline): Likely benign. Review status: criteria provided, single submitter (1 of 4 stars). 2 submissions from 2 submitters: Likely benign (1). 1 of the submissions does not count toward it. Last evaluated 2024-06-15.

Conditions:
SLC22A4-related disorder. Also called: SLC22A4-related condition.

Allele frequency attached by ClinVar (database versions not stated): gnomAD exomes 0.00001; ExAC 0.00002; gnomAD 0.00003; TOPMed 0.00007; ESP Exome Variant Server 0.00008.
gnomAD v4.1: 24 of 1,613,684 alleles (0.0015%); highest among the groups gnomAD compares: African/African-American, 0.011%; no homozygotes.

Submissions (2):

Labcorp Genetics (formerly Invitae), Labcorp
Classification: Likely benign. Last evaluated: 2024-06-15. Review status: criteria provided, single submitter. Criteria: Invitae Variant Classification Sherloc (09022015). Collection method: clinical testing. Allele origin: germline.

PreventionGenetics, part of Exact Sciences
Classification: Likely benign for SLC22A4-related condition. Last evaluated: 2020-10-20. Review status: no assertion criteria provided. Collection method: clinical testing. Allele origin: germline. Not counted in ClinVar's aggregate classification.
Comment: This variant is classified as likely benign based on ACMG/AMP sequence variant interpretation guidelines (Richards et al. 2015 PMID: 25741868, with internal and published modifications).

NM_003059.3(SLC22A4):c.792G>A (p.Thr264=)

Genes: MIR3936HG (MIR3936 host gene; minus strand), SLC22A4 (solute carrier family 22 member 4; plus strand). Cytogenetic location: 5q31.1.
Variant type: single nucleotide variant.
Coding change: c.792G>A on transcript NM_003059.3 (MANE Select); coding-DNA position 792, G replaced by A.
Protein change: p.Thr264=; no amino-acid change (threonine 264 retained).
Molecular consequence: synonymous variant.
Genome position (GRCh38, 1-based): chr5:132,322,323, G>A. VCF-style: chr5-132322323-G-A. GRCh37 (hg19) VCF-style: chr5-131658016-G-A.
Identifiers: ClinVar variation 3033025 (VCV003033025.4), dbSNP rs144122563, ClinGen allele CA3403508.